The following is an entry in ClinVar:

ClinVar aggregate classification (germline): Uncertain significance (1 of 4 stars; one submission).

Allele frequency attached by ClinVar (database versions not stated): ExAC 0.00001; gnomAD 0.00001; TOPMed 0.00002.

Submission:

Labcorp Genetics (formerly Invitae), Labcorp
Classification: Uncertain significance. Last evaluated: 2022-08-12. Review status: criteria provided, single submitter. Criteria: Invitae Variant Classification Sherloc (09022015). Collection method: clinical testing. Allele origin: germline.
Comment: This sequence change replaces proline, which is neutral and non-polar, with leucine, which is neutral and non-polar, at codon 503 of the TRIP4 protein (p.Pro503Leu). This variant is present in population databases (rs766456822, gnomAD 0.005%). This variant has not been reported in the literature in individuals affected with TRIP4-related conditions. Algorithms developed to predict the effect of missense changes on protein structure and function are either unavailable or do not agree on the potential impact of this missense change (SIFT: "Deleterious"; PolyPhen-2: "Probably Damaging"; Align-GVGD: "Class C0"). In summary, the available evidence is currently insufficient to determine the role of this variant in disease. Therefore, it has been classified as a Variant of Uncertain Significance.

NM_016213.5(TRIP4):c.1508C>T (p.Pro503Leu)

Gene: TRIP4 (thyroid hormone receptor interactor 4; plus strand). Cytogenetic location: 15q22.31.
Variant type: single nucleotide variant.
Coding change: c.1508C>T on transcript NM_016213.5 (MANE Select); coding-DNA position 1508, C replaced by T.
Protein change: p.Pro503Leu; replaces proline 503 with leucine.
Molecular consequence: missense variant. On other transcripts: non-coding transcript variant (1).
Genome position (GRCh38, 1-based): chr15:64,425,564, C>T. VCF-style: chr15-64425564-C-T. GRCh37 (hg19) VCF-style: chr15-64717763-C-T.
Other names: c.818C>T, p.Pro273Leu (NM_001321924.2); short protein forms P273L, P503L.
Identifiers: ClinVar variation 2150425 (VCV002150425.1), dbSNP rs766456822, ClinGen allele CA7609689.